The following is an entry in ClinVar:

NM_183357.3(ADCY5):c.1948-50C>G

Gene: ADCY5 (adenylate cyclase 5; minus strand). Cytogenetic location: 3q21.1.
Variant type: single nucleotide variant.
Coding change: c.1948-50C>G on transcript NM_183357.3 (MANE Select); 50 bases into the intron before coding-DNA position 1948, C replaced by G.
Molecular consequence: intron variant.
Genome position (GRCh38, 1-based): chr3:123,325,512, G>C on the plus strand (C>G on the coding strand, the complement: ADCY5 is on the minus strand). VCF-style: chr3-123325512-G-C. GRCh37 (hg19) VCF-style: chr3-123044359-G-C.
Other names: c.1948-50C>G (NM_001378259.1); c.898-50C>G (NM_001199642.1).
Identifiers: ClinVar variation 1687655 (VCV001687655.2), dbSNP rs114011421, ClinGen allele CA2577316.

ClinVar aggregate classification (germline): Likely benign (1 of 4 stars; one submission).

Allele frequency attached by ClinVar (database versions not stated): gnomAD exomes 0.00105 and 0.00226; ExAC 0.00214; 1000 Genomes Project 0.00319; gnomAD 0.00337 and 0.00357; TOPMed 0.00371; ESP Exome Variant Server 0.00377.
gnomAD v4.1: 2,138 of 1,607,730 alleles (0.13%); highest among the groups gnomAD compares: African/African-American, 0.89%; 22 homozygotes.

Submission:

GeneDx
Classification: Likely benign. Last evaluated: 2021-11-29. Review status: criteria provided, single submitter. Criteria: GeneDx Variant Classification Process June 2021. Collection method: clinical testing. Allele origin: germline. Affected: yes.
Comment: See Variant Classification Assertion Criteria.